The following is an entry in ClinVar:

NM_007118.4(TRIO):c.3101A>G (p.Tyr1034Cys)

Gene: TRIO (trio Rho guanine nucleotide exchange factor; plus strand). Cytogenetic location: 5p15.2.
Variant type: single nucleotide variant.
Coding change: c.3101A>G on transcript NM_007118.4 (MANE Select); coding-DNA position 3101, A replaced by G.
Protein change: p.Tyr1034Cys; replaces tyrosine 1034 with cysteine.
Molecular consequence: missense variant. On other transcripts: non-coding transcript variant (1).
Genome position (GRCh38, 1-based): chr5:14,369,408, A>G. VCF-style: chr5-14369408-A-G. GRCh37 (hg19) VCF-style: chr5-14369517-A-G.
Other names: short protein forms Y1034C.
Identifiers: ClinVar variation 5037563 (VCV005037563.1).
Genomic context (GRCh38, chr5:14,369,408, plus strand): 5'-GAGCCTCAAACTTTTCCTGCTCACAGGTCTGCAGCGTCCTCGAGAGCCTGGAACAGGAGT[A>G]CAAGAGAGAAGAAGACTGGTGTGGCGGGGCGGATAAGCTGGGCCCAAACTCTGAGACGGA-3'
Protein context (NP_009049.2, residues 1024-1044): CSVLESLEQE[Tyr1034Cys]KREEDWCGGA

ClinVar aggregate classification (germline): Uncertain significance (1 of 4 stars; one submission).

Submission:

GeneDx
Classification: Uncertain significance. Last evaluated: 2026-04-22. Review status: criteria provided, single submitter. Criteria: GeneDx Variant Classification Process June 2021. Collection method: clinical testing. Allele origin: germline.
Comment: Not observed at significant frequency in large population cohorts (gnomAD); In silico analysis supports that this missense variant has a deleterious effect on protein structure/function; Has not been previously published as pathogenic or benign to our knowledge